The following is an entry in ClinVar:

NM_000384.3(APOB):c.11453C>A (p.Ser3818Tyr)

Gene: APOB (apolipoprotein B; minus strand). Cytogenetic location: 2p24.1.
Variant type: single nucleotide variant.
Coding change: c.11453C>A on transcript NM_000384.3 (MANE Select); coding-DNA position 11453, C replaced by A.
Protein change: p.Ser3818Tyr; replaces serine 3818 with tyrosine.
Molecular consequence: missense variant.
Genome position (GRCh38, 1-based): chr2:21,005,415, G>T on the plus strand (C>A on the coding strand, the complement: APOB is on the minus strand). VCF-style: chr2-21005415-G-T. GRCh37 (hg19) VCF-style: chr2-21228287-G-T.
Other names: short protein forms S3818Y.
Identifiers: ClinVar variation 1732220 (VCV001732220.2), dbSNP rs749178868, ClinGen allele CA046646.

ClinVar aggregate classification (germline): Uncertain significance (1 of 4 stars; one submission).

Conditions:
Cardiovascular phenotype. Identifiers: MedGen CN230736.

Allele frequency attached by ClinVar (database versions not stated): ExAC 0.00001.

Submission:

Ambry Genetics
Classification: Uncertain significance for Cardiovascular phenotype. Last evaluated: 2021-02-03. Review status: criteria provided, single submitter. Criteria: Ambry Variant Classification Scheme 2023. Collection method: clinical testing. Allele origin: germline.
Comment: The p.S3818Y variant (also known as c.11453C>A), located in coding exon 26 of the APOB gene, results from a C to A substitution at nucleotide position 11453. The serine at codon 3818 is replaced by tyrosine, an amino acid with dissimilar properties. This amino acid position is poorly conserved in available vertebrate species, and tyrosine is the reference amino acid in other vertebrate species. In addition, this alteration is predicted to be tolerated by in silico analysis. Since supporting evidence is limited at this time, the clinical significance of this alteration remains unclear.